The following is an entry in ClinVar:

ClinVar aggregate classification (germline): Uncertain significance (1 of 4 stars; one submission).

gnomAD v4.1: 4 of 1,210,159 alleles (0.00033%); highest among the groups gnomAD compares: African/African-American, 0.0017%; no homozygotes.

Submission:

Labcorp Genetics (formerly Invitae), Labcorp
Classification: Uncertain significance. Last evaluated: 2025-11-18. Review status: criteria provided, single submitter. Criteria: Invitae Variant Classification Sherloc (09022015). Collection method: clinical testing. Allele origin: germline.
Comment: This sequence change replaces asparagine, which is neutral and polar, with serine, which is neutral and polar, at codon 350 of the TLR7 protein (p.Asn350Ser). This variant is present in population databases (no rsID available, gnomAD 0.009%). This variant has not been reported in the literature in individuals affected with TLR7-related conditions. An algorithm developed to predict the effect of missense changes on protein structure and function (PolyPhen-2) suggests that this variant is likely to be disruptive. Experimental studies have shown that this missense change affects TLR7 function (PMID: 34413140). In summary, the available evidence is currently insufficient to determine the role of this variant in disease. Therefore, it has been classified as a Variant of Uncertain Significance.

Literature cited by the submitters: PubMed 34413140.

NM_016562.4(TLR7):c.1049A>G (p.Asn350Ser)

Gene: TLR7 (toll like receptor 7; plus strand). Cytogenetic location: Xp22.2.
Variant type: single nucleotide variant.
Coding change: c.1049A>G on transcript NM_016562.4 (MANE Select); coding-DNA position 1049, A replaced by G.
Protein change: p.Asn350Ser; replaces asparagine 350 with serine.
Molecular consequence: missense variant.
Genome position (GRCh38, 1-based): chrX:12,886,557, A>G. VCF-style: chrX-12886557-A-G. GRCh37 (hg19) VCF-style: chrX-12904676-A-G.
Other names: short protein forms N350S.
Identifiers: ClinVar variation 4766345 (VCV004766345.1).